The following is an entry in ClinVar:

ClinVar aggregate classification (germline): Uncertain significance (1 of 4 stars; one submission).

Submission:

CeGaT Center for Human Genetics Tuebingen
Classification: Uncertain significance. Last evaluated: 2024-12-01. Review status: criteria provided, single submitter. Criteria: CeGaT Center For Human Genetics Tuebingen Variant Classification Criteria Version 2. Collection method: clinical testing. Allele origin: germline. Affected: yes. Observed: 1 variant allele.
Comment: TRPS1: PM2

NM_014112.5(TRPS1):c.2239T>C (p.Ser747Pro)

Gene: TRPS1 (transcriptional repressor GATA binding 1; minus strand). Cytogenetic location: 8q23.3.
Variant type: single nucleotide variant.
Coding change: c.2239T>C on transcript NM_014112.5 (MANE Select); coding-DNA position 2239, T replaced by C.
Protein change: p.Ser747Pro; replaces serine 747 with proline.
Molecular consequence: missense variant.
Genome position (GRCh38, 1-based): chr8:115,587,462, A>G on the plus strand (T>C on the coding strand, the complement: TRPS1 is on the minus strand). VCF-style: chr8-115587462-A-G. GRCh37 (hg19) VCF-style: chr8-116599689-A-G.
Other names: c.2212T>C, p.Ser738Pro (NM_001282902.3); c.2218T>C, p.Ser740Pro (NM_001282903.3); c.2200T>C, p.Ser734Pro (NM_001330599.2); short protein forms S734P, S738P, S740P, S747P.
Identifiers: ClinVar variation 3770957 (VCV003770957.13).
Genomic context (GRCh38, chr8:115,587,462, plus strand): 5'-AGTCTGGAGTTAGCAGATTGTAGACCCTGAAGTCAATTTTGGGCTCCTCTTTGATGGTGG[A>G]TATGGCATGACCGTCCTCTTCGCCGTTGGCTGTAGTGATGTCCTGTTCCTGGCAGTGAAC-3'
Protein context (NP_054831.2, residues 737-757): ANGEEDGHAI[Ser747Pro]TIKEEPKIDF